The following is an entry in ClinVar:

ClinVar aggregate classification (germline): Pathogenic (1 of 4 stars; one submission).

Conditions:
Developmental and epileptic encephalopathy, 2 (DEE2). Also called: INFANTILE SPASM SYNDROME, X-LINKED 2; CDKL5 deficiency disorder. Identifiers: Orphanet 1934, Orphanet 3451, Orphanet 505652, MedGen C4750718, MONDO:0010396, OMIM 300672.
Angelman syndrome-like. Identifiers: MedGen CN128785.

Submission:

Labcorp Genetics (formerly Invitae), Labcorp
Classification: Pathogenic for Developmental and epileptic encephalopathy, 2; Angelman syndrome-like. Last evaluated: 2023-02-26. Review status: criteria provided, single submitter. Criteria: Invitae Variant Classification Sherloc (09022015). Collection method: clinical testing. Allele origin: germline.
Comment: This sequence change creates a premature translational stop signal (p.Ser394Argfs*100) in the CDKL5 gene. It is expected to result in an absent or disrupted protein product. Loss-of-function variants in CDKL5 are known to be pathogenic (PMID: 22872100). This variant is not present in population databases (gnomAD no frequency). This variant has not been reported in the literature in individuals affected with CDKL5-related conditions. For these reasons, this variant has been classified as Pathogenic.

Literature cited by the submitters: PubMed 22872100.

NM_001323289.2(CDKL5):c.1180_1181dup (p.Ser394fs)

Gene: CDKL5 (cyclin dependent kinase like 5; plus strand). Cytogenetic location: Xp22.13.
Variant type: Duplication.
Coding change: c.1180_1181dup on transcript NM_001323289.2 (MANE Select); coding-DNA positions 1180 to 1181, 2 bases duplicated (AG; older notation c.1180_1181dupAG).
Protein change: p.Ser394fs; shifts the reading frame from serine 394.
Molecular consequence: frameshift variant.
Genome position (GRCh38, 1-based): chrX:18,604,104-18,604,105, AG duplicated. VCF-style (leftmost placement, unchanged base first): chrX-18604103-C-CAG. GRCh37 (hg19) VCF-style: chrX-18622223-C-CAG.
Other names: c.1180_1181dup, p.Ser394fs (NM_001037343.2, NM_003159.3); short protein forms S394fs.
Identifiers: ClinVar variation 2944760 (VCV002944760.3), dbSNP rs2518873820, ClinGen allele CA2740092027.